The following is an entry in ClinVar:

ClinVar aggregate classification (germline): Pathogenic (1 of 4 stars; one submission).

Conditions:
LAMA2-related muscular dystrophy (LAMA2-RD). Also called: Laminin alpha 2-related dystrophy. Identifiers: MedGen C5679788, MONDO:0100228.

gnomAD v4.1: 1 of 1,613,876 alleles (0.000062%); no homozygotes.

Submission:

Myriad Genetics, Inc.
Classification: Pathogenic for LAMA2-related muscular dystrophy. Last evaluated: 2024-10-09. Review status: criteria provided, single submitter. Criteria: Myriad Autosomal Dominant, Autosomal Recessive and X-Linked Classification Criteria (2023). Collection method: clinical testing. Allele origin: unknown.
Comment: NM_000426.3(LAMA2):c.7954G>T(E2652*) is expected to be pathogenic in the context of muscular dystrophy, LAMA2-related. This variant is predicted to lead to an abnormal or absent protein product due to the creation of a premature termination codon in LAMA2, a gene where loss-of-function variants are known to be pathogenic. Please note: this variant was assessed in the context of healthy population screening.

NM_000426.4(LAMA2):c.7954G>T (p.Glu2652Ter)

Gene: LAMA2 (laminin subunit alpha 2; plus strand). Cytogenetic location: 6q22.33.
Variant type: single nucleotide variant.
Coding change: c.7954G>T on transcript NM_000426.4 (MANE Select); coding-DNA position 7954, G replaced by T.
Protein change: p.Glu2652Ter; replaces glutamic acid 2652 with a stop codon.
Molecular consequence: nonsense.
Genome position (GRCh38, 1-based): chr6:129,491,956, G>T. VCF-style: chr6-129491956-G-T. GRCh37 (hg19) VCF-style: chr6-129813101-G-T.
Other names: c.7942G>T, p.Glu2648Ter (NM_001079823.2); short protein forms E2648*, E2652*.
Identifiers: ClinVar variation 5010478 (VCV005010478.1).